The following is an entry in ClinVar:

NM_022051.3(EGLN1):c.919G>A (p.Gly307Arg)

Gene: EGLN1 (egl-9 family hypoxia inducible factor 1; minus strand). Cytogenetic location: 1q42.2.
Variant type: single nucleotide variant.
Coding change: c.919G>A on transcript NM_022051.3 (MANE Select); coding-DNA position 919, G replaced by A.
Protein change: p.Gly307Arg; replaces glycine 307 with arginine.
Molecular consequence: missense variant.
Genome position (GRCh38, 1-based): chr1:231,374,072, C>T on the plus strand (G>A on the coding strand, the complement: EGLN1 is on the minus strand). VCF-style: chr1-231374072-C-T. GRCh37 (hg19) VCF-style: chr1-231509818-C-T.
Other names: c.919G>A, p.Gly307Arg (NM_001377260.1, NM_001377261.1); short protein forms G307R.
Identifiers: ClinVar variation 2450378 (VCV002450378.2), dbSNP rs2527237014, ClinGen allele CA345241635.

ClinVar aggregate classification (germline): Uncertain significance (1 of 4 stars; one submission).

Submission:

Ambry Genetics
Classification: Uncertain significance. Last evaluated: 2022-12-24. Review status: criteria provided, single submitter. Criteria: Ambry Variant Classification Scheme 2023. Collection method: clinical testing. Allele origin: germline.
Comment: The p.G307R variant (also known as c.919G>A), located in coding exon 2 of the EGLN1 gene, results from a G to A substitution at nucleotide position 919. The glycine at codon 307 is replaced by arginine, an amino acid with dissimilar properties. This amino acid position is conserved. In addition, this alteration is predicted to be deleterious by in silico analysis. Since supporting evidence is limited at this time, the clinical significance of this alteration remains unclear.